The following is an entry in ClinVar:

ClinVar aggregate classification (germline): Benign/Likely benign. Review status: criteria provided, multiple submitters, no conflicts (2 of 4 stars). 4 submissions from 4 submitters: Benign (1); Likely benign (2). 1 of the submissions does not count toward it. Last evaluated 2026-01-26.

Conditions:
SLC5A5-related disorder. Also called: SLC5A5-related condition.

Allele frequency attached by ClinVar (database versions not stated): ESP Exome Variant Server 0.00077; TOPMed 0.00085; gnomAD 0.00093 and 0.00106; 1000 Genomes Project 30x 0.00094; 1000 Genomes Project 0.00120.
gnomAD v4.1: 309 of 1,613,660 alleles (0.019%); highest among the groups gnomAD compares: African/African-American, 0.35%; no homozygotes.

Submissions (4):

Labcorp Genetics (formerly Invitae), Labcorp
Classification: Benign. Last evaluated: 2026-01-26. Review status: criteria provided, single submitter. Criteria: Invitae Variant Classification Sherloc (09022015). Collection method: clinical testing. Allele origin: germline.

Women's Health and Genetics/Laboratory Corporation of America, LabCorp
Classification: Likely benign. Last evaluated: 2025-01-03. Review status: criteria provided, single submitter. Criteria: LabCorp Variant Classification Summary - May 2015. Collection method: clinical testing. Allele origin: germline.

Blueprint Genetics
Classification: Likely benign. Last evaluated: 2023-07-21. Review status: criteria provided, single submitter. Criteria: ACMG Guidelines, 2015. Collection method: clinical testing. Allele origin: germline.

PreventionGenetics, part of Exact Sciences
Classification: Likely benign for SLC5A5-related condition. Last evaluated: 2019-02-22. Review status: no assertion criteria provided. Collection method: clinical testing. Allele origin: germline. Not counted in ClinVar's aggregate classification.
Comment: This variant is classified as likely benign based on ACMG/AMP sequence variant interpretation guidelines (Richards et al. 2015 PMID: 25741868, with internal and published modifications).

NM_000453.3(SLC5A5):c.1275C>T (p.Gly425=)

Gene: SLC5A5 (solute carrier family 5 member 5; plus strand). Cytogenetic location: 19p13.11.
Variant type: single nucleotide variant.
Coding change: c.1275C>T on transcript NM_000453.3 (MANE Select); coding-DNA position 1275, C replaced by T.
Protein change: p.Gly425=; no amino-acid change (glycine 425 retained).
Molecular consequence: synonymous variant.
Genome position (GRCh38, 1-based): chr19:17,883,713, C>T. VCF-style: chr19-17883713-C-T. GRCh37 (hg19) VCF-style: chr19-17994522-C-T.
Identifiers: ClinVar variation 737638 (VCV000737638.12), dbSNP rs144760671, ClinGen allele CA9303099.
Genomic context (GRCh38, chr19:17,883,713, plus strand): 5'-TCAGCCCCACTTCCACCTACTCTCCCAGGGCTCCTTCACCGTCATGGGAGTCATCAGCGG[C>T]CCCCTGCTGGGAGCCTTCATCTTGGGAATGTTCCTGCCGGCCTGCAACACACCGGTGAGT-3'
Protein context (NP_000444.1, residues 415-435): GSFTVMGVIS[Gly425=]PLLGAFILGM